The following is an entry in ClinVar:

ClinVar aggregate classification (germline): Uncertain significance (1 of 4 stars; one submission).

Submission:

Women's Health and Genetics/Laboratory Corporation of America, LabCorp
Classification: Uncertain significance. Last evaluated: 2023-06-27. Review status: criteria provided, single submitter. Criteria: LabCorp Variant Classification Summary - May 2015. Collection method: clinical testing. Allele origin: germline.
Comment: Variant summary: FRAP1 (also known as MTOR) c.4998+1G>A is located in a canonical splice-site and is predicted to affect mRNA splicing resulting in a significantly altered protein due to either exon skipping, shortening, or inclusion of intronic material. Several computational tools predict a significant impact on normal splicing: Four predict the variant abolishes a canonical 5' splicing donor site. However, these predictions have yet to be confirmed by functional studies. The variant was absent in 251374 control chromosomes (gnomAD). The available data on variant occurrences in the general population are insufficient to allow any conclusion about variant significance. To our knowledge, no occurrence of c.4998+1G>A in individuals affected with Smith-Kingsmore Syndrome and no experimental evidence demonstrating its impact on protein function have been reported. No submitters have cited clinical-significance assessments for this variant to ClinVar after 2014. Based on the evidence outlined above, the variant was classified as uncertain significance.

NM_004958.4(MTOR):c.4998+1G>A

Gene: MTOR (mechanistic target of rapamycin kinase; minus strand). Cytogenetic location: 1p36.22.
Variant type: single nucleotide variant.
Coding change: c.4998+1G>A on transcript NM_004958.4 (MANE Select); the canonical splice donor site of the intron after coding-DNA position 4998, G replaced by A.
Molecular consequence: splice donor variant.
Genome position (GRCh38, 1-based): chr1:11,139,532, C>T on the plus strand (G>A on the coding strand, the complement: MTOR is on the minus strand). VCF-style: chr1-11139532-C-T. GRCh37 (hg19) VCF-style: chr1-11199589-C-T.
Other names: c.3750+1G>A (NM_001386501.1); c.4998+1G>A (NM_001386500.1).
Identifiers: ClinVar variation 2573534 (VCV002573534.1), dbSNP rs2100478673, ClinGen allele CA338402099.
Genomic context (GRCh38, chr1:11,139,532, plus strand): 5'-GGACAGCCCAGGGACACCATGGGGCCCTACCTGCCCATGTGGGTGGGTGGTTGTCACTCA[C>T]CAGCCTGCCACTCTTGCCGCACAGGCTTGCATACTTGAGCCAGGTTCTCATGTCTTCATG-3'